The following is an entry in ClinVar:

ClinVar aggregate classification (germline): Conflicting classifications of pathogenicity. Review status: criteria provided, conflicting classifications (1 of 4 stars). 5 submissions from 5 submitters: Uncertain significance (3); Likely benign (2). Last evaluated 2026-04-23.

Conditions:
Cardiovascular phenotype. Identifiers: MedGen CN230736.
TTN-related disorder. Also called: TTN-related condition; TTN-related disease; TTN-related disorders.

Allele frequency attached by ClinVar (database versions not stated): gnomAD 0.00007 and 0.00009; gnomAD exomes 0.00007 and 0.00015; ExAC 0.00013; TOPMed 0.00017.
gnomAD v4.1: 126 of 1,613,606 alleles (0.0078%); highest among the groups gnomAD compares: Middle Eastern, 0.12%; no homozygotes.

Submissions (5):

PreventionGenetics, part of Exact Sciences
Classification: Uncertain significance for TTN-related condition. Last evaluated: 2026-04-23. Review status: criteria provided, single submitter. Criteria: ACMG Guidelines, 2015. Collection method: clinical testing. Allele origin: germline.
Comment: The TTN c.11996A>G variant is predicted to result in the amino acid substitution p.Asn3999Ser. This variant has been reported as a variant of uncertain significance in a pediatric patient with dilated cardiomyopathy carrying additional variants in other cardiovascular genes (Table 3 and supplemental table 6, Herkert et al. 2018. PubMed ID: 29517769). This variant is reported in 0.039% of alleles in individuals of Ashkenazi Jewish descent in gnomAD. At this time, the clinical significance of this variant is uncertain due to the absence of conclusive functional and genetic evidence.

CeGaT Center for Human Genetics Tuebingen
Classification: Uncertain significance. Last evaluated: 2024-05-01. Review status: criteria provided, single submitter. Criteria: CeGaT Center For Human Genetics Tuebingen Variant Classification Criteria Version 2. Collection method: clinical testing. Allele origin: germline. Affected: yes. Observed: 1 variant allele.
Comment: TTN: PM2, BP4

GeneDx
Classification: Likely benign. Last evaluated: 2020-11-24. Review status: criteria provided, single submitter. Criteria: GeneDx Variant Classification Process June 2021. Collection method: clinical testing. Allele origin: germline. Affected: yes.
Comment: This variant is associated with the following publications: (PMID: 23861362)

Ambry Genetics
Classification: Likely benign for Cardiovascular phenotype. Last evaluated: 2019-06-21. Review status: criteria provided, single submitter. Criteria: Ambry Variant Classification Scheme 2023. Collection method: clinical testing. Allele origin: germline.

Biesecker Lab/Clinical Genomics Section, National Institutes of Health
Classification: Uncertain significance. Last evaluated: 2013-06-24. Review status: criteria provided, single submitter. Criteria: Ng et al. (Circ Cardiovasc Genet. 2013). Collection method: research. Allele origin: unknown. Observed: 1 variant allele. Study: ClinSeq.
Comment: The study set was not selected for affection status in relation to any cancer. Pathogenicity categories were based on literature curation. See Pubmed ID:23861362 for details.

Medical sequencing

NM_001267550.2(TTN):c.11996A>G (p.Asn3999Ser)

Gene: TTN (titin; minus strand). Cytogenetic location: 2q31.2.
Variant type: single nucleotide variant.
Coding change: c.11996A>G on transcript NM_001267550.2 (MANE Select); coding-DNA position 11996, A replaced by G.
Protein change: p.Asn3999Ser; replaces asparagine 3999 with serine.
Molecular consequence: missense variant.
Genome position (GRCh38, 1-based): chr2:178,741,237, T>C on the plus strand (A>G on the coding strand, the complement: TTN is on the minus strand). VCF-style: chr2-178741237-T-C. GRCh37 (hg19) VCF-style: chr2-179605964-T-C.
Other names: c.11045A>G, p.Asn3682Ser (NM_001256850.1); c.10907A>G, p.Asn3636Ser (NM_003319.4); c.11282A>G, p.Asn3761Ser (NM_133432.3); c.11483A>G, p.Asn3828Ser (NM_133437.4); c.10361-2877A>G (NM_133378.4); short protein forms N3999S, N3636S, N3682S, N3761S, N3828S.
Identifiers: ClinVar variation 192039 (VCV000192039.40), dbSNP rs199844346, ClinGen allele CA238163.